The following is an entry in ClinVar:

ClinVar aggregate classification (germline): Uncertain significance (1 of 4 stars; one submission).

Conditions:
Tyrosinemia type I (TYRSN1). Also called: Tyrosinemia type 1; Fumarylacetoacetase deficiency; Deficiency of fumarylacetoacetase; HEPATORENAL TYROSINEMIA; FAH DEFICIENCY. Identifiers: Orphanet 882, MedGen C0268490, MONDO:0010161, OMIM 276700. Disease mechanism: loss of function.

Submission:

Myriad Genetics, Inc.
Classification: Uncertain significance for Tyrosinemia type I. Last evaluated: 2026-05-06. Review status: criteria provided, single submitter. Criteria: Myriad Autosomal Dominant, Autosomal Recessive and X-Linked Classification Criteria (2023). Collection method: clinical testing. Allele origin: unknown.
Comment: NM_000137.2(FAH):c.484_489dup6(R162_A163dup) is an in-frame insertion classified as a variant of uncertain significance in the context of tyrosinemia type I. R162_A163dup has not been observed in cases with relevant disease. Relevant functional assessments of this variant are not available in the literature. R162_A163dup has not been observed in referenced population frequency databases. In summary, there is insufficient evidence to classify NM_000137.2(FAH):c.484_489dup6(R162_A163dup) as pathogenic or benign. Please note: this variant was assessed in the context of healthy population screening.

NM_000137.4(FAH):c.484_489dup (p.Ala163_Ser164insArgAla)

Gene: FAH (fumarylacetoacetate hydrolase; plus strand). Cytogenetic location: 15q25.1.
Variant type: Duplication.
Coding change: c.484_489dup on transcript NM_000137.4 (MANE Select); coding-DNA positions 484 to 489, 6 bases duplicated (CGTGCC; older notation c.484_489dupCGTGCC).
Protein change: p.Ala163_Ser164insArgAla.
Molecular consequence: inframe insertion.
Genome position (GRCh38, 1-based): chr15:80,168,080-80,168,085, CGTGCC duplicated; duplicating any 6 consecutive bases within chr15:80,168,079-80,168,085 gives the same sequence; the c. name uses the placement nearest the transcript's 3' end. VCF-style (leftmost placement, unchanged base first): chr15-80168078-G-GCCGTGC. GRCh37 (hg19) VCF-style: chr15-80460420-G-GCCGTGC.
Other names: c.484_489dup, p.Ala163_Ser164insArgAla (NM_001374377.1, NM_001374380.1).
Identifiers: ClinVar variation 5004645 (VCV005004645.1).